The following is an entry in ClinVar:

NM_001018115.3(FANCD2):c.1030A>G (p.Ile344Val)

Genes: FANCD2 (FA complementation group D2; plus strand), LOC107303338 (3p25 FANCD2 Alu-mediated recombination region; plus strand). Cytogenetic location: 3p25.3.
Variant type: single nucleotide variant.
Coding change: c.1030A>G on transcript NM_001018115.3 (MANE Select); coding-DNA position 1030, A replaced by G.
Protein change: p.Ile344Val; replaces isoleucine 344 with valine.
Molecular consequence: missense variant.
Genome position (GRCh38, 1-based): chr3:10,043,524, A>G. VCF-style: chr3-10043524-A-G. GRCh37 (hg19) VCF-style: chr3-10085208-A-G.
Other names: c.1030A>G, p.Ile344Val (NM_001319984.2, NM_001374253.1, NM_001374254.1 and 1 more transcripts); short protein forms I344V.
Identifiers: ClinVar variation 4738275 (VCV004738275.1).
Genomic context (GRCh38, chr3:10,043,524, plus strand): 5'-TTCCTCTCTGCTACTTGTAGTTCCTCAGGAAATCAAGAAAGCAGCGGTCAGAGCTGTATT[A>G]TTCTCCTCTTTGATGTAATAAAGTCAGCTATTAGATATGAGAAAACCATTTCAGAAGCCT-3'
Protein context (NP_001018125.1, residues 334-354): NQESSGQSCI[Ile344Val]LLFDVIKSAI

ClinVar aggregate classification (germline): Uncertain significance (1 of 4 stars; one submission).

Conditions:
Fanconi anemia (FA). Also called: Fanconi's anemia. Identifiers: Orphanet 84, MedGen C0015625, MeSH D005199, MONDO:0019391.

Submission:

Labcorp Genetics (formerly Invitae), Labcorp
Classification: Uncertain significance for Fanconi anemia. Last evaluated: 2025-10-13. Review status: criteria provided, single submitter. Criteria: Invitae Variant Classification Sherloc (09022015). Collection method: clinical testing. Allele origin: germline.
Comment: This sequence change replaces isoleucine, which is neutral and non-polar, with valine, which is neutral and non-polar, at codon 344 of the FANCD2 protein (p.Ile344Val). This variant is not present in population databases (gnomAD no frequency). This variant has not been reported in the literature in individuals affected with FANCD2-related conditions. Invitae Evidence Modeling of protein sequence and biophysical properties (such as structural, functional, and spatial information, amino acid conservation, physicochemical variation, residue mobility, and thermodynamic stability) indicates that this missense variant is not expected to disrupt FANCD2 protein function with a negative predictive value of 80%. In summary, the available evidence is currently insufficient to determine the role of this variant in disease. Therefore, it has been classified as a Variant of Uncertain Significance.